The following is an entry in ClinVar:

ClinVar aggregate classification (germline): Uncertain significance (1 of 4 stars; one submission).

Conditions:
Malignant hyperthermia, susceptibility to, 1 (MHS1). Also called: Anesthesia related hyperthermia; Malignant hyperpyrexia; Fulminating hyperpyrexia; Pharmacogenic myopathy; RYR1-Related Malignant Hyperthermia Susceptibility; Malignant hyperthermia suceptibility 1. Identifiers: Orphanet 423, MedGen C2930980, MONDO:0007783, OMIM 145600.

Submission:

All of Us Research Program, National Institutes of Health
Classification: Uncertain significance for Malignant hyperthermia, susceptibility to, 1. Last evaluated: 2023-08-15. Review status: criteria provided, single submitter. Criteria: ACMG Guidelines, 2015. Collection method: clinical testing. Allele origin: germline. Inheritance: Autosomal dominant inheritance. Observed: 1 variant allele, 1 heterozygote.
Comment: This missense variant replaces leucine with methionine at codon 3320 of the RYR1 protein. Computational prediction suggests that this variant may not impact protein structure and function (internally defined REVEL score threshold <= 0.5, PMID: 27666373). To our knowledge, functional studies have not been reported for this variant. This variant has not been reported in individuals affected with RYR1-related disorders in the literature. This variant has not been identified in the general population by the Genome Aggregation Database (gnomAD). The available evidence is insufficient to determine the role of this variant in disease conclusively. Therefore, this variant is classified as a Variant of Uncertain Significance.

This study involves interpretation of variants in research participants for the purpose of population health screening. Participant phenotype was not available at the time of variant classification. Additional details can be found in publication PMID: 35346344, PMCID: PMC8962531

NM_000540.3(RYR1):c.9958C>A (p.Leu3320Met)

Gene: RYR1 (ryanodine receptor 1; plus strand). Cytogenetic location: 19q13.2.
Variant type: single nucleotide variant.
Coding change: c.9958C>A on transcript NM_000540.3 (MANE Select); coding-DNA position 9958, C replaced by A.
Protein change: p.Leu3320Met; replaces leucine 3320 with methionine.
Molecular consequence: missense variant.
Genome position (GRCh38, 1-based): chr19:38,517,631, C>A. VCF-style: chr19-38517631-C-A. GRCh37 (hg19) VCF-style: chr19-39008271-C-A.
Other names: c.9958C>A, p.Leu3320Met (NM_001042723.2); short protein forms L3320M.
Identifiers: ClinVar variation 3072805 (VCV003072805.1), dbSNP rs774944844, ClinGen allele CA405693062.